The following is an entry in ClinVar:

NM_145239.3(PRRT2):c.640G>A (p.Ala214Thr)

Genes: MVP-DT (MVP divergent transcript; minus strand), PRRT2 (proline rich transmembrane protein 2; plus strand). Cytogenetic location: 16p11.2.
Variant type: single nucleotide variant.
Coding change: c.640G>A on transcript NM_145239.3 (MANE Select); coding-DNA position 640, G replaced by A.
Protein change: p.Ala214Thr; replaces alanine 214 with threonine.
Molecular consequence: missense variant.
Genome position (GRCh38, 1-based): chr16:29,813,694, G>A. VCF-style: chr16-29813694-G-A. GRCh37 (hg19) VCF-style: chr16-29825015-G-A.
Other names: c.640G>A, p.Ala214Thr (NM_001256442.2, NM_001256443.2, NM_001438120.1 and 2 more transcripts); short protein forms A214T.
Identifiers: ClinVar variation 4802985 (VCV004802985.1).

ClinVar aggregate classification (germline): Uncertain significance (1 of 4 stars; one submission).

Conditions:
Episodic kinesigenic dyskinesia (EKD). Also called: Paroxysmal kinesigenic dyskinesia. Identifiers: Orphanet 98809, MedGen C1868682, MONDO:0044202.

gnomAD v4.1: 1 of 1,505,482 alleles (0.000066%); no homozygotes.

Submission:

Labcorp Genetics (formerly Invitae), Labcorp
Classification: Uncertain significance for Episodic kinesigenic dyskinesia. Last evaluated: 2025-08-25. Review status: criteria provided, single submitter. Criteria: Invitae Variant Classification Sherloc (09022015). Collection method: clinical testing. Allele origin: germline.
Comment: This sequence change replaces alanine, which is neutral and non-polar, with threonine, which is neutral and polar, at codon 214 of the PRRT2 protein (p.Ala214Thr). This variant is not present in population databases (gnomAD no frequency). This variant has not been reported in the literature in individuals affected with PRRT2-related conditions. Invitae Evidence Modeling of protein sequence and biophysical properties (such as structural, functional, and spatial information, amino acid conservation, physicochemical variation, residue mobility, and thermodynamic stability) indicates that this missense variant is not expected to disrupt PRRT2 protein function with a negative predictive value of 95%. In summary, the available evidence is currently insufficient to determine the role of this variant in disease. Therefore, it has been classified as a Variant of Uncertain Significance.